The following is an entry in ClinVar:

NM_006612.6(KIF1C):c.3217C>T (p.Pro1073Ser)

Gene: KIF1C (kinesin family member 1C; plus strand). Cytogenetic location: 17p13.2.
Variant type: single nucleotide variant.
Coding change: c.3217C>T on transcript NM_006612.6 (MANE Select); coding-DNA position 3217, C replaced by T.
Protein change: p.Pro1073Ser; replaces proline 1073 with serine.
Molecular consequence: missense variant.
Genome position (GRCh38, 1-based): chr17:5,024,056, C>T. VCF-style: chr17-5024056-C-T. GRCh37 (hg19) VCF-style: chr17-4927351-C-T.
Other names: short protein forms P1073S.
Identifiers: ClinVar variation 1485686 (VCV001485686.5), dbSNP rs199966544, ClinGen allele CA8319509.

ClinVar aggregate classification (germline): Uncertain significance. Review status: criteria provided, multiple submitters, no conflicts (2 of 4 stars). 2 submissions from 2 submitters: Uncertain significance (2). Last evaluated 2026-02-12.

Conditions:
Spastic ataxia 2. Also called: Ataxia, spastic, 2, autosomal recessive. Identifiers: Orphanet 397946, MedGen C1969796, MONDO:0012651, OMIM 611302.

Allele frequency attached by ClinVar (database versions not stated): gnomAD 0.00011 and 0.00012; ExAC 0.00012; ESP Exome Variant Server 0.00008; TOPMed 0.00012; 1000 Genomes Project 30x 0.00016; gnomAD exomes 0.00017 and 0.00023; 1000 Genomes Project 0.00020.
gnomAD v4.1: 351 of 1,574,204 alleles (0.022%); highest among the groups gnomAD compares: Non-Finnish European, 0.027%; no homozygotes.

Submissions (2):

Women's Health and Genetics/Laboratory Corporation of America, LabCorp
Classification: Uncertain significance. Last evaluated: 2026-02-12. Review status: criteria provided, single submitter. Criteria: LabCorp Variant Classification Summary - May 2015. Collection method: clinical testing. Allele origin: germline.
Comment: Variant summary: KIF1C c.3217C>T (p.Pro1073Ser) results in a non-conservative amino acid change in the encoded protein sequence. Algorithms developed to predict the effect of missense changes on protein structure and function are either unavailable or do not agree on the potential impact of this missense change. The variant allele was found at a frequency of 0.00017 in 213382 control chromosomes. This frequency is not significantly higher than estimated for disease-causing variants in KIF1C, allowing no conclusion about variant significance. To our knowledge, no occurrence of c.3217C>T in individuals affected with KIF1C-related conditions and no experimental evidence demonstrating its impact on protein function have been reported. ClinVar contains an entry for this variant (Variation ID: 1485686). Based on the evidence outlined above, the variant was classified as uncertain significance.

Labcorp Genetics (formerly Invitae), Labcorp
Classification: Uncertain significance for Spastic ataxia 2. Last evaluated: 2022-08-19. Review status: criteria provided, single submitter. Criteria: Invitae Variant Classification Sherloc (09022015). Collection method: clinical testing. Allele origin: germline.
Comment: This sequence change replaces proline, which is neutral and non-polar, with serine, which is neutral and polar, at codon 1073 of the KIF1C protein (p.Pro1073Ser). This variant is present in population databases (rs199966544, gnomAD 0.08%). This variant has not been reported in the literature in individuals affected with KIF1C-related conditions. ClinVar contains an entry for this variant (Variation ID: 1485686). Algorithms developed to predict the effect of missense changes on protein structure and function are either unavailable or do not agree on the potential impact of this missense change (SIFT: "Tolerated"; PolyPhen-2: "Possibly Damaging"; Align-GVGD: "Class C0"). In summary, the available evidence is currently insufficient to determine the role of this variant in disease. Therefore, it has been classified as a Variant of Uncertain Significance.